The following is an entry in ClinVar:

NM_024408.4(NOTCH2):c.2558A>G (p.Asn853Ser)

Gene: NOTCH2 (notch receptor 2; minus strand). Cytogenetic location: 1p12.
Variant type: single nucleotide variant.
Coding change: c.2558A>G on transcript NM_024408.4 (MANE Select); coding-DNA position 2558, A replaced by G.
Protein change: p.Asn853Ser; replaces asparagine 853 with serine.
Molecular consequence: missense variant.
Genome position (GRCh38, 1-based): chr1:119,949,048, T>C on the plus strand (A>G on the coding strand, the complement: NOTCH2 is on the minus strand). VCF-style: chr1-119949048-T-C. GRCh37 (hg19) VCF-style: chr1-120491671-T-C.
Other names: c.2558A>G, p.Asn853Ser (NM_001200001.2); short protein forms N853S.
Identifiers: ClinVar variation 3684514 (VCV003684514.2).

ClinVar aggregate classification (germline): Uncertain significance (1 of 4 stars; one submission).

Conditions:
Hajdu-Cheney syndrome (HJCYS). Also called: ACROOSTEOLYSIS WITH OSTEOPOROSIS AND CHANGES IN SKULL AND MANDIBLE; Acroosteolysis dominant type; SERPENTINE FIBULA-POLYCYSTIC KIDNEY SYNDROME. Identifiers: Orphanet 955, MedGen C0917715, MONDO:0007057, OMIM 102500.

gnomAD v4.1: 13 of 1,614,152 alleles (0.00081%); highest among the groups gnomAD compares: South Asian, 0.014%; no homozygotes.

Submission:

Labcorp Genetics (formerly Invitae), Labcorp
Classification: Uncertain significance for Hajdu-Cheney syndrome. Last evaluated: 2024-04-09. Review status: criteria provided, single submitter. Criteria: Invitae Variant Classification Sherloc (09022015). Collection method: clinical testing. Allele origin: germline.
Comment: This sequence change replaces asparagine, which is neutral and polar, with serine, which is neutral and polar, at codon 853 of the NOTCH2 protein (p.Asn853Ser). This variant is present in population databases (rs782254411, gnomAD 0.02%). This variant has not been reported in the literature in individuals affected with NOTCH2-related conditions. Advanced modeling of protein sequence and biophysical properties (such as structural, functional, and spatial information, amino acid conservation, physicochemical variation, residue mobility, and thermodynamic stability) performed at Invitae indicates that this missense variant is not expected to disrupt NOTCH2 protein function with a negative predictive value of 80%. In summary, the available evidence is currently insufficient to determine the role of this variant in disease. Therefore, it has been classified as a Variant of Uncertain Significance.